The following is an entry in ClinVar:

NM_003190.5(TAPBP):c.1072G>A (p.Gly358Ser)

Gene: TAPBP (TAP binding protein; minus strand). Cytogenetic location: 6p21.32.
Variant type: single nucleotide variant.
Coding change: c.1072G>A on transcript NM_003190.5 (MANE Select); coding-DNA position 1072, G replaced by A.
Protein change: p.Gly358Ser; replaces glycine 358 with serine.
Molecular consequence: missense variant.
Genome position (GRCh38, 1-based): chr6:33,304,435, C>T on the plus strand (G>A on the coding strand, the complement: TAPBP is on the minus strand). VCF-style: chr6-33304435-C-T. GRCh37 (hg19) VCF-style: chr6-33272212-C-T.
Other names: c.1072G>A, p.Gly358Ser (NM_001410875.1, NM_172208.3); c.811G>A, p.Gly271Ser (NM_172209.3); short protein forms G271S, G358S.
Identifiers: ClinVar variation 4811363 (VCV004811363.1).
Genomic context (GRCh38, chr6:33,304,435, plus strand): 5'-CCCCATGCTGCTCAGTGGTGACTGGGGGCGGCTGCAAGTGCCCAGAGAGGCTGACAGAGC[C>T]ATCGGAATGGTGGCGCAGGGCCGAGAGCCACCTCTGCCCCTCGGCCTTCTGAGAGCGGCC-3'
Protein context (NP_003181.3, residues 348-368): WLSALRHHSD[Gly358Ser]SVSLSGHLQP

ClinVar aggregate classification (germline): Uncertain significance (1 of 4 stars; one submission).

Conditions:
MHC class I deficiency. Identifiers: Orphanet 34592, MedGen C6024714, MONDO:0011476.

gnomAD v4.1: 2 of 1,611,720 alleles (0.00012%); highest among the groups gnomAD compares: Non-Finnish European, 0.00017%; no homozygotes.

Submission:

Labcorp Genetics (formerly Invitae), Labcorp
Classification: Uncertain significance for MHC class I deficiency 1. Last evaluated: 2025-07-13. Review status: criteria provided, single submitter. Criteria: Invitae Variant Classification Sherloc (09022015). Collection method: clinical testing. Allele origin: germline.
Comment: This sequence change replaces glycine, which is neutral and non-polar, with serine, which is neutral and polar, at codon 358 of the TAPBP protein (p.Gly358Ser). This variant is not present in population databases (gnomAD no frequency). This variant has not been reported in the literature in individuals affected with TAPBP-related conditions. An algorithm developed to predict the effect of missense changes on protein structure and function (PolyPhen-2) suggests that this variant is likely to be disruptive. In summary, the available evidence is currently insufficient to determine the role of this variant in disease. Therefore, it has been classified as a Variant of Uncertain Significance.